The following is an entry in ClinVar:

ClinVar aggregate classification (germline): Uncertain significance (1 of 4 stars; one submission).

Conditions:
Epidermolysis bullosa simplex 3, localized or generalized intermediate, with BP230 deficiency (EBS3). Also called: Epidermolysis bullosa simplex due to BP230 deficiency; Epidermolysis bullosa simplex, autosomal recessive 2. Identifiers: Orphanet 412181, MedGen C3809470, MONDO:0014180, OMIM 615425.
Hereditary sensory and autonomic neuropathy type 6. Also called: HSAN VI; Neuropathy, hereditary sensory and autonomic, type VI. Identifiers: Orphanet 314381, MedGen C3539003, MONDO:0013839, OMIM 614653.

Allele frequency attached by ClinVar (database versions not stated): TOPMed below 0.00001; ExAC 0.00001; gnomAD 0.00001; gnomAD exomes 0.00001.
gnomAD v4.1: 19 of 1,613,170 alleles (0.0012%); highest among the groups gnomAD compares: Non-Finnish European, 0.0015%; no homozygotes.

Submission:

Labcorp Genetics (formerly Invitae), Labcorp
Classification: Uncertain significance for Epidermolysis bullosa simplex 3, localized or generalized intermediate, with BP230 deficiency; Hereditary sensory and autonomic neuropathy type 6. Last evaluated: 2021-08-31. Review status: criteria provided, single submitter. Criteria: Invitae Variant Classification Sherloc (09022015). Collection method: clinical testing. Allele origin: germline.
Comment: This sequence change replaces isoleucine with valine at codon 337 of the DST protein (p.Ile337Val). The isoleucine residue is highly conserved and there is a small physicochemical difference between isoleucine and valine. This variant is present in population databases (rs774974326, ExAC 0.002%). This variant has not been reported in the literature in individuals affected with DST-related conditions. Algorithms developed to predict the effect of missense changes on protein structure and function are either unavailable or do not agree on the potential impact of this missense change (SIFT: "Deleterious"; PolyPhen-2: "Benign"; Align-GVGD: "Class C25"). In summary, the available evidence is currently insufficient to determine the role of this variant in disease. Therefore, it has been classified as a Variant of Uncertain Significance.

NM_001374736.1(DST):c.2620A>G (p.Ile874Val)

Gene: DST (dystonin; minus strand). Cytogenetic location: 6p12.1.
Variant type: single nucleotide variant.
Coding change: c.2620A>G on transcript NM_001374736.1 (MANE Select); coding-DNA position 2620, A replaced by G.
Protein change: p.Ile874Val; replaces isoleucine 874 with valine.
Molecular consequence: missense variant.
Genome position (GRCh38, 1-based): chr6:56,639,773, T>C on the plus strand (A>G on the coding strand, the complement: DST is on the minus strand). VCF-style: chr6-56639773-T-C. GRCh37 (hg19) VCF-style: chr6-56504571-T-C.
Other names: c.2521A>G, p.Ile841Val (NM_001144769.5); c.2107A>G, p.Ile703Val (NM_001144770.2); c.2620A>G, p.Ile874Val (NM_001374722.1); c.1987A>G, p.Ile663Val (NM_001374729.1, NM_001374730.1, NM_001386100.1 and 1 more transcripts); c.2647A>G, p.Ile883Val (NM_001374734.1); c.1009A>G, p.Ile337Val (NM_001723.7, NM_015548.5); short protein forms I703V, I874V, I883V, I663V, I841V, I337V.
Identifiers: ClinVar variation 842134 (VCV000842134.7), dbSNP rs774974326, ClinGen allele CA3871368.